The following is an entry in ClinVar:

NM_001174147.2(LMX1B):c.886+18C>T

Gene: LMX1B (LIM homeobox transcription factor 1 beta; plus strand). Cytogenetic location: 9q33.3.
Variant type: single nucleotide variant.
Coding change: c.886+18C>T on transcript NM_001174147.2 (MANE Select); 18 bases into the intron after coding-DNA position 886, C replaced by T.
Molecular consequence: intron variant. On other transcripts: nonsense (1).
Genome position (GRCh38, 1-based): chr9:126,693,830, C>T. VCF-style: chr9-126693830-C-T. GRCh37 (hg19) VCF-style: chr9-129456109-C-T.
Other names: c.904C>T, p.Gln302Ter (NM_001174146.2); c.886+18C>T (NM_002316.4); short protein forms Q302*.
Identifiers: ClinVar variation 258630 (VCV000258630.14), dbSNP rs529668402, ClinGen allele CA5242462.
Genomic context (GRCh38, chr9:126,693,830, plus strand): 5'-CAGCAGCAGCAGGAGCAGCAGAACTCCCAGCGGCTGGGCCAGGGTGAGCCGGGGCCGGGG[C>T]AGGGCCTGGGCCAGGGTGAGCTGGGGCCGGGGCCAGGGGTGGGCCTAGGCCAGGGTGAGC-3'

ClinVar aggregate classification (germline): Conflicting classifications of pathogenicity. Review status: criteria provided, conflicting classifications (1 of 4 stars). 5 submissions from 4 submitters: Uncertain significance (2); Benign (2); Likely benign (1). Last evaluated 2025-10-23.

Conditions:
Nail-patella syndrome (NPS). Also called: FONG DISEASE; ONYCHOOSTEODYSPLASIA; TURNER-KIESER SYNDROME. Identifiers: Orphanet 2614, MedGen C0027341, MONDO:0008061, OMIM 161200.
LMX1B-related disorder. Also called: LMX1B-related condition.

Allele frequency attached by ClinVar (database versions not stated): gnomAD exomes 0.00009 and 0.00011; ExAC 0.00010; gnomAD 0.00095 and 0.00104; 1000 Genomes Project 0.00100; TOPMed 0.00111; 1000 Genomes Project 30x 0.00125.
gnomAD v4.1: 239 of 1,173,816 alleles (0.02%); highest among the groups gnomAD compares: African/African-American, 0.33%; 1 homozygote.

Submissions (5):

Labcorp Genetics (formerly Invitae), Labcorp
Classification: Benign. Last evaluated: 2025-10-23. Review status: criteria provided, single submitter. Criteria: Invitae Variant Classification Sherloc (09022015). Collection method: clinical testing. Allele origin: germline.

Daryl Scott Lab, Baylor College of Medicine
Classification: Uncertain significance for LMX1B-related disorder. Last evaluated: 2024-01-01. Review status: criteria provided, single submitter. Criteria: ACMG Guidelines, 2015. Collection method: clinical testing. Allele origin: unknown. Observed: 1 heterozygote.
Comment: BS1, BS2

Blueprint Genetics
Classification: Likely benign. Last evaluated: 2023-12-08. Review status: criteria provided, single submitter. Criteria: ACMG Guidelines, 2015. Collection method: clinical testing. Allele origin: germline.

Daryl Scott Lab, Baylor College of Medicine
Classification: Uncertain significance for Nail-patella syndrome. Last evaluated: 2020-11-11. Review status: criteria provided, single submitter. Criteria: ACMG Guidelines, 2015. Collection method: clinical testing. Allele origin: unknown. Observed: 1 variant allele.

PreventionGenetics, part of Exact Sciences
Classification: Benign. Review status: criteria provided, single submitter. Criteria: ACMG Guidelines, 2015. Collection method: clinical testing. Allele origin: germline.

Literature cited by the submitters: PubMed 33461977 (cited by Daryl Scott Lab, Baylor College of Medicine).